The following is an entry in ClinVar:

NM_001042492.3(NF1):c.469A>G (p.Ile157Val)

Gene: NF1 (neurofibromin 1; plus strand). Cytogenetic location: 17q11.2.
Variant type: single nucleotide variant.
Coding change: c.469A>G on transcript NM_001042492.3 (MANE Select); coding-DNA position 469, A replaced by G.
Protein change: p.Ile157Val; replaces isoleucine 157 with valine.
Molecular consequence: missense variant.
Genome position (GRCh38, 1-based): chr17:31,163,366, A>G. VCF-style: chr17-31163366-A-G. GRCh37 (hg19) VCF-style: chr17-29490384-A-G.
Other names: c.469A>G, p.Ile157Val (NM_000267.4, NM_001128147.3); short protein forms I157V.
Identifiers: ClinVar variation 481959 (VCV000481959.16), dbSNP rs1555606118, ClinGen allele CA398982168.

ClinVar aggregate classification (germline): Conflicting classifications of pathogenicity. Review status: criteria provided, conflicting classifications (1 of 4 stars). 5 submissions from 5 submitters: Uncertain significance (4); Likely benign (1). Last evaluated 2025-08-15.

Conditions:
NF1-related disorder. Also called: NF1-related condition. Identifiers: MedGen CN379171.
Cardiovascular phenotype. Identifiers: MedGen CN230736.
Hereditary cancer-predisposing syndrome. Also called: Hereditary neoplastic syndrome; Neoplastic Syndromes, Hereditary; Tumor predisposition; Hereditary Cancer Syndrome. Identifiers: Orphanet 140162, MedGen C0027672, MeSH D009386, MONDO:0015356.
Juvenile myelomonocytic leukemia (JMML). Also called: LEUKEMIA, JUVENILE MYELOMONOCYTIC, SOMATIC. Identifiers: Orphanet 86834, MedGen C0349639, MONDO:0011908, OMIM 607785, HP:0012209.
Neurofibromatosis, type 1 (NF1). Also called: VON RECKLINGHAUSEN DISEASE; Peripheral type neurofibromatosis; NEUROFIBROMATOSIS, TYPE I, SOMATIC; Neurofibromatosis, type I. Identifiers: Orphanet 636, MedGen C0027831, MONDO:0018975, OMIM 162200. Disease mechanism: loss of function.

Submissions (5):

Ambry Genetics
Classification: Uncertain significance for Cardiovascular phenotype; Hereditary cancer-predisposing syndrome. Last evaluated: 2025-08-15. Review status: criteria provided, single submitter. Criteria: Ambry Variant Classification Scheme 2023. Collection method: clinical testing. Allele origin: germline.
Comment: The p.I157V variant (also known as c.469A>G), located in coding exon 4 of the NF1 gene, results from an A to G substitution at nucleotide position 469. The isoleucine at codon 157 is replaced by valine, an amino acid with highly similar properties. This amino acid position is highly conserved in available vertebrate species. In addition, the in silico prediction for this alteration is inconclusive. Since supporting evidence is limited at this time, the clinical significance of this alteration remains unclear.

Labcorp Genetics (formerly Invitae), Labcorp
Classification: Likely benign for Neurofibromatosis, type 1. Last evaluated: 2025-08-03. Review status: criteria provided, single submitter. Criteria: Invitae Variant Classification Sherloc (09022015). Collection method: clinical testing. Allele origin: germline.

PreventionGenetics, part of Exact Sciences
Classification: Uncertain significance for NF1-related condition. Last evaluated: 2023-08-01. Review status: criteria provided, single submitter. Criteria: ACMG Guidelines, 2015. Collection method: clinical testing. Allele origin: germline.
Comment: The NF1 c.469A>G variant is predicted to result in the amino acid substitution p.Ile157Val. This variant has been reported in an individual with breast cancer (Jarhelle et al. 2019. PubMed ID: 31882575). An alternate substitution of this amino acid (p.Ile157Asn) has been reported in an individual with neurofibromatosis (De Luca et al. 2004. PubMed ID: 15146469). This c.469A>G (p.Ile157Val) variant has not been reported in a large population database, indicating it is rare. At this time, the clinical significance of this variant is uncertain due to the absence of conclusive functional and genetic evidence.

Baylor Genetics
Classification: Uncertain significance for Juvenile myelomonocytic leukemia. Last evaluated: 2023-05-19. Review status: criteria provided, single submitter. Criteria: ACMG Guidelines, 2015. Collection method: clinical testing. Allele origin: unknown.

Genome-Nilou Lab
Classification: Uncertain significance for Neurofibromatosis, type 1. Last evaluated: 2022-03-15. Review status: criteria provided, single submitter. Criteria: ACMG Guidelines, 2015. Collection method: clinical testing. Allele origin: germline. Affected: no.